The following is an entry in ClinVar:

NM_000252.3(MTM1):c.136+172T>C

Gene: MTM1 (myotubularin 1; plus strand). Cytogenetic location: Xq28.
Variant type: single nucleotide variant.
Coding change: c.136+172T>C on transcript NM_000252.3 (MANE Select); 172 bases into the intron after coding-DNA position 136, T replaced by C.
Molecular consequence: intron variant.
Genome position (GRCh38, 1-based): chrX:150,596,742, T>C. VCF-style: chrX-150596742-T-C. GRCh37 (hg19) VCF-style: chrX-149765206-C-C.
Other names: NM_001376908.1:c.136+172T>C; c.136+172T>C (NM_001376908.1, NM_001376906.1, NM_001376907.1).
Identifiers: ClinVar variation 2500866 (VCV002500866.1), dbSNP rs222380, ClinGen allele CA337090050.
Genomic context (GRCh38, chrX:150,596,742, plus strand): 5'-TTTGTTTAGAAGCGTTAACACAGAACTCTCTGCATCCCTTTCTTGATTAAAGAGTTCTTT[T>C]GAGAGCTTCATGCTCACAAGGGTAGTGATATTCTTGTGTCTGTACCAAAGACTGAGAATG-3'

ClinVar aggregate classification (germline): Uncertain significance (1 of 4 stars; one submission).

Conditions:
Severe X-linked myotubular myopathy (CNMX). Also called: MYOTUBULAR MYOPATHY 1; X-linked centronuclear myopathy; Myotubular myopathy, X-linked. Identifiers: Orphanet 596, MedGen C0410203, MONDO:0010683, OMIM 310400.

Allele frequency attached by ClinVar (database versions not stated): 1000 Genomes Project 30x 0.98252; TOPMed 0.98405.

Submission:

Broad Center for Mendelian Genomics, Broad Institute of MIT and Harvard
Classification: Uncertain significance for Severe X-linked myotubular myopathy. Last evaluated: 2023-05-02. Review status: criteria provided, single submitter. Criteria: ACMG Guidelines, 2015. Collection method: curation. Allele origin: germline. Inheritance: X-linked inheritance.
Comment: The c.136+172T>C variant in MTM1 has not been previously reported in individuals with X-linked centronuclear myopathy. Data from large population studies is insufficient to assess the frequency of this variant. Computational prediction tools, including splice predictors, and conservation analyses suggest that this variant may not impact the protein, though this information is not predictive enough to rule out pathogenicity. In summary, the clinical significance of the c.136+172T>C variant is uncertain. ACMG/AMP Criteria applied: BP4 (Richards 2015).